The following is an entry in ClinVar:

NM_004628.5(XPC):c.529_530del (p.Glu177fs)

Gene: XPC (XPC complex subunit, DNA damage recognition and repair factor; minus strand). Cytogenetic location: 3p25.1.
Variant type: Microsatellite.
Coding change: c.529_530del on transcript NM_004628.5 (MANE Select); coding-DNA positions 529 to 530, 2 bases deleted (GA; older notation c.529_530delGA).
Protein change: p.Glu177fs; shifts the reading frame from glutamic acid 177.
Molecular consequence: frameshift variant. On other transcripts: non-coding transcript variant (1), intron variant (1).
Genome position (GRCh38, 1-based): chr3:14,168,263-14,168,264, TC deleted on the plus strand (GA on the coding strand, the reverse complement: XPC is on the minus strand); deleting any 2 consecutive bases within chr3:14,168,263-14,168,267 gives the same sequence; the c. name uses the placement nearest the transcript's 3' end. VCF-style (leftmost placement, unchanged base first): chr3-14168262-TTC-T. GRCh37 (hg19) VCF-style: chr3-14209762-TTC-T.
Other names: c.529_530del, p.Glu177fs (NM_001354727.2, NM_001354730.2); c.511_512del, p.Glu171fs (NM_001354729.2); c.-43-1011_-43-1010del (NM_001354726.2); short protein forms E171fs, E177fs.
Identifiers: ClinVar variation 1451431 (VCV001451431.6), dbSNP rs2125040590, ClinGen allele CA2546094645.

ClinVar aggregate classification (germline): Pathogenic (1 of 4 stars; one submission).

Submission:

Labcorp Genetics (formerly Invitae), Labcorp
Classification: Pathogenic. Last evaluated: 2024-01-04. Review status: criteria provided, single submitter. Criteria: Invitae Variant Classification Sherloc (09022015). Collection method: clinical testing. Allele origin: germline.
Comment: This sequence change creates a premature translational stop signal (p.Glu177Lysfs*3) in the XPC gene. It is expected to result in an absent or disrupted protein product. Loss-of-function variants in XPC are known to be pathogenic (PMID: 23173980, 25256075). This variant is not present in population databases (gnomAD no frequency). This variant has not been reported in the literature in individuals affected with XPC-related conditions. For these reasons, this variant has been classified as Pathogenic.

Literature cited by the submitters: PubMed 23173980; PubMed 25256075.